The following is an entry in ClinVar:

NM_020975.6(RET):c.2566T>C (p.Trp856Arg)

Gene: RET (ret proto-oncogene; plus strand). Cytogenetic location: 10q11.21.
Variant type: single nucleotide variant.
Coding change: c.2566T>C on transcript NM_020975.6 (MANE Select); coding-DNA position 2566, T replaced by C.
Protein change: p.Trp856Arg; replaces tryptophan 856 with arginine.
Molecular consequence: missense variant.
Genome position (GRCh38, 1-based): chr10:43,119,704, T>C. VCF-style: chr10-43119704-T-C. GRCh37 (hg19) VCF-style: chr10-43615152-T-C.
Other names: c.2566T>C, p.Trp856Arg (NM_000323.2, NM_001406743.1, NM_001406744.1 and 4 more transcripts); c.1804T>C, p.Trp602Arg (NM_001355216.2); c.2437T>C, p.Trp813Arg (NM_001406761.1, NM_001406762.1, NM_001406764.1); c.2431T>C, p.Trp811Arg (NM_001406763.1, NM_001406765.1); c.2278T>C, p.Trp760Arg (NM_001406766.1, NM_001406767.1, NM_001406770.1); c.2302T>C, p.Trp768Arg (NM_001406768.1); c.2170T>C, p.Trp724Arg (NM_001406769.1, NM_001406772.1); c.1669T>C, p.Trp557Arg (NM_001406780.1, NM_001406781.1, NM_001406782.1 and 1 more transcripts); and 10 more; short protein forms W373R, W526R, W614R, W681R, W724R, W512R, W710R, W811R.
Identifiers: ClinVar variation 1977553 (VCV001977553.26), dbSNP rs1838163811, ClinGen allele CA376556624.

ClinVar aggregate classification (germline): Uncertain significance. Review status: criteria provided, multiple submitters, no conflicts (2 of 4 stars). 2 submissions from 2 submitters: Uncertain significance (2). Last evaluated 2024-03-01.

Conditions:
Multiple endocrine neoplasia, type 2 (MEN2). Identifiers: Orphanet 653, MedGen C4048306, MONDO:0019003. Disease mechanism: gain of function.

gnomAD v4.1: 2 of 1,613,524 alleles (0.00012%); highest among the groups gnomAD compares: Non-Finnish European, 0.00017%; no homozygotes.

Submissions (2):

CeGaT Center for Human Genetics Tuebingen
Classification: Uncertain significance. Last evaluated: 2024-03-01. Review status: criteria provided, single submitter. Criteria: CeGaT Center For Human Genetics Tuebingen Variant Classification Criteria Version 2. Collection method: clinical testing. Allele origin: germline. Affected: yes. Observed: 1 variant allele.
Comment: RET: PM2, PP3

Labcorp Genetics (formerly Invitae), Labcorp
Classification: Uncertain significance for Multiple endocrine neoplasia, type 2. Last evaluated: 2022-08-06. Review status: criteria provided, single submitter. Criteria: Invitae Variant Classification Sherloc (09022015). Collection method: clinical testing. Allele origin: germline.
Comment: This sequence change replaces tryptophan, which is neutral and slightly polar, with arginine, which is basic and polar, at codon 856 of the RET protein (p.Trp856Arg). This variant is not present in population databases (gnomAD no frequency). This variant has not been reported in the literature in individuals affected with RET-related conditions. Algorithms developed to predict the effect of missense changes on protein structure and function are either unavailable or do not agree on the potential impact of this missense change (SIFT: "Deleterious"; PolyPhen-2: "Probably Damaging"; Align-GVGD: "Class C0"). In summary, the available evidence is currently insufficient to determine the role of this variant in disease. Therefore, it has been classified as a Variant of Uncertain Significance.